The following is an entry in ClinVar:

ClinVar aggregate classification (germline): Likely pathogenic (1 of 4 stars; one submission).

Submission:

Labcorp Genetics (formerly Invitae), Labcorp
Classification: Likely pathogenic. Last evaluated: 2023-06-11. Review status: criteria provided, single submitter. Criteria: Invitae Variant Classification Sherloc (09022015). Collection method: clinical testing. Allele origin: germline.
Comment: This sequence change replaces arginine, which is basic and polar, with lysine, which is basic and polar, at codon 246 of the DEAF1 protein (p.Arg246Lys). This variant is not present in population databases (gnomAD no frequency). This variant has not been reported in the literature in individuals affected with DEAF1-related conditions. Advanced modeling of protein sequence and biophysical properties (such as structural, functional, and spatial information, amino acid conservation, physicochemical variation, residue mobility, and thermodynamic stability) performed at Invitae indicates that this missense variant is expected to disrupt DEAF1 protein function. This variant disrupts the p.Arg246 amino acid residue in DEAF1. Other variant(s) that disrupt this residue have been determined to be pathogenic (PMID: 27441994, 28940898). This suggests that this residue is clinically significant, and that variants that disrupt this residue are likely to be disease-causing. In summary, the currently available evidence indicates that the variant is pathogenic, but additional data are needed to prove that conclusively. Therefore, this variant has been classified as Likely Pathogenic.

Literature cited by the submitters: PubMed 27441994; PubMed 28940898.

NM_021008.4(DEAF1):c.737G>A (p.Arg246Lys)

Gene: DEAF1 (DEAF1 transcription factor; minus strand). Cytogenetic location: 11p15.5.
Variant type: single nucleotide variant.
Coding change: c.737G>A on transcript NM_021008.4 (MANE Select); coding-DNA position 737, G replaced by A.
Protein change: p.Arg246Lys; replaces arginine 246 with lysine.
Molecular consequence: missense variant. On other transcripts: intron variant (1).
Genome position (GRCh38, 1-based): chr11:686,925, C>T on the plus strand (G>A on the coding strand, the complement: DEAF1 is on the minus strand). VCF-style: chr11-686925-C-T. GRCh37 (hg19) VCF-style: chr11-686925-C-T.
Other names: c.11G>A, p.Arg4Lys (NM_001367390.1, NM_001440885.1, NM_001440886.1 and 1 more transcripts); c.737G>A, p.Arg246Lys (NM_001440883.1, NM_001440884.1); c.664+986G>A (NM_001293634.2); short protein forms R246K, R4K.
Identifiers: ClinVar variation 2809336 (VCV002809336.3), dbSNP rs1554944271, ClinGen allele CA378932294.